The following is an entry in ClinVar:

NM_001868.4(CPA1):c.1233G>T (p.Met411Ile)

Gene: CPA1 (carboxypeptidase A1; plus strand). Cytogenetic location: 7q32.2.
Variant type: single nucleotide variant.
Coding change: c.1233G>T on transcript NM_001868.4 (MANE Select); coding-DNA position 1233, G replaced by T.
Protein change: p.Met411Ile; replaces methionine 411 with isoleucine.
Molecular consequence: missense variant.
Genome position (GRCh38, 1-based): chr7:130,387,984, G>T. VCF-style: chr7-130387984-G-T. GRCh37 (hg19) VCF-style: chr7-130027825-G-T.
Other names: short protein forms M411I.
Identifiers: ClinVar variation 3221809 (VCV003221809.1), dbSNP rs2536015600, ClinGen allele CA369284606.

ClinVar aggregate classification (germline): Uncertain significance (1 of 4 stars; one submission).

Conditions:
Hereditary pancreatitis (PCTT). Also called: Hereditary chronic pancreatitis; PRSS1-Related Hereditary Pancreatitis. Identifiers: Orphanet 676, MedGen C0238339, MONDO:0008185, OMIM 167800.

Submission:

Ambry Genetics
Classification: Uncertain significance for Hereditary pancreatitis. Last evaluated: 2024-02-01. Review status: criteria provided, single submitter. Criteria: Ambry Variant Classification Scheme 2023. Collection method: clinical testing. Allele origin: germline.
Comment: The p.M411I variant (also known as c.1233G>T), located in coding exon 10 of the CPA1 gene, results from a G to T substitution at nucleotide position 1233. The methionine at codon 411 is replaced by isoleucine, an amino acid with highly similar properties. This amino acid position is conserved. In addition, this alteration is predicted to be tolerated by in silico analysis. Based on the available evidence, the clinical significance of this alteration remains unclear.